The following is an entry in ClinVar:

ClinVar aggregate classification (germline): Likely pathogenic (1 of 4 stars; one submission).

Conditions:
Autosomal recessive Alport syndrome (ATS2). Also called: ALPORT SYNDROME 2, AUTOSOMAL RECESSIVE; Alport syndrome type 2; COL4A4 Alport Syndrome and Thin Basement Membrane Nephropathy; COL4A3-Related Nephropathy. Identifiers: Orphanet 63, Orphanet 88919, MedGen C4746745, MONDO:0008762, OMIM 203780.

Submission:

Myriad Genetics, Inc.
Classification: Likely pathogenic for Autosomal recessive Alport syndrome. Last evaluated: 2019-12-31. Review status: criteria provided, single submitter. Criteria: Myriad Women's Health Autosomal Recessive and X-Linked Classification Criteria (2019). Collection method: clinical testing. Allele origin: unknown.
Comment: NM_000092.4(COL4A4):c.994G>T(G332*) is expected to be pathogenic in the context of COL4A4-related Alport syndrome. This variant is predicted to lead to an abnormal or absent protein product due to the creation of a premature termination codon in COL4A4, a gene where loss-of-function variants are known to be pathogenic. Please note: this variant was assessed in the context of healthy population screening.

NM_000092.5(COL4A4):c.994G>T (p.Gly332Ter)

Gene: COL4A4 (collagen type IV alpha 4 chain; minus strand). Cytogenetic location: 2q36.3.
Variant type: single nucleotide variant.
Coding change: c.994G>T on transcript NM_000092.5 (MANE Select); coding-DNA position 994, G replaced by T.
Protein change: p.Gly332Ter; replaces glycine 332 with a stop codon.
Molecular consequence: nonsense.
Genome position (GRCh38, 1-based): chr2:227,101,539, C>A on the plus strand (G>T on the coding strand, the complement: COL4A4 is on the minus strand). VCF-style: chr2-227101539-C-A. GRCh37 (hg19) VCF-style: chr2-227966255-C-A.
Other names: short protein forms G332*.
Identifiers: ClinVar variation 984171 (VCV000984171.3), dbSNP rs2060521689, ClinGen allele CA350855945.